The following is an entry in ClinVar:

ClinVar aggregate classification (germline): Likely pathogenic (1 of 4 stars; one submission).

Conditions:
Wiskott-Aldrich syndrome (WAS). Also called: ALDRICH SYNDROME; IMMUNODEFICIENCY 2; Wiskott-aldrich syndrome, somatic; WISKOTT-ALDRICH SYNDROME 1. Identifiers: Orphanet 906, MedGen C0043194, MONDO:0010518, OMIM 301000.

Submission:

Women's Health and Genetics/Laboratory Corporation of America, LabCorp
Classification: Likely pathogenic for Wiskott Aldrich Syndrome. Last evaluated: 2011-08-18. Review status: criteria provided, single submitter. Criteria: LabCorp Variant Classification Summary - May 2015. Collection method: curation, clinical testing. Allele origin: germline. Inheritance: Xlinked unknown. Affected: yes.
ClinVar note: Converted during submission from likely pathogenic to Likely pathogenic.

NM_000377.3(WAS):c.763dup (p.Gln255fs)

Gene: WAS (WASP actin nucleation promoting factor; plus strand). Cytogenetic location: Xp11.23.
Variant type: Duplication.
Coding change: c.763dup on transcript NM_000377.3 (MANE Select); coding-DNA position 763, one base duplicated (C; older notation c.763dupC).
Protein change: p.Gln255fs; shifts the reading frame from glutamine 255.
Molecular consequence: frameshift variant.
Genome position (GRCh38, 1-based): chrX:48,688,082, C duplicated; the last of 5 consecutive C bases (chrX:48,688,078-48,688,082); duplicating any one gives the same sequence. VCF-style (leftmost placement, unchanged base first): chrX-48688077-A-AC. GRCh37 (hg19) VCF-style: chrX-48546466-A-AC.
Other names: c.763dupC (NM_000377.2); short protein forms Q255fs.
Identifiers: ClinVar variation 36913 (VCV000036913.3), dbSNP rs193922416, ClinGen allele CA342900.
Genomic context (GRCh38, chrX:48,688,077, plus strand): 5'-CAGTGAGGATTCACTGGAGTCTCTTCACCTCTCCCAGGCATGTCAGCCACGTGGGGTGGG[A>AC]CCCCCAGAATGGATTTGACGTGAGTAACTTCAGAGTCTCTTGGACTCCACTAAACTTCCA-3'